The following is an entry in ClinVar:

NM_001042492.3(NF1):c.526G>T (p.Asp176Tyr)

Gene: NF1 (neurofibromin 1; plus strand). Cytogenetic location: 17q11.2.
Variant type: single nucleotide variant.
Coding change: c.526G>T on transcript NM_001042492.3 (MANE Select); coding-DNA position 526, G replaced by T.
Protein change: p.Asp176Tyr; replaces aspartic acid 176 with tyrosine.
Molecular consequence: missense variant.
Genome position (GRCh38, 1-based): chr17:31,169,937, G>T. VCF-style: chr17-31169937-G-T. GRCh37 (hg19) VCF-style: chr17-29496955-G-T.
Other names: c.526G>T, p.Asp176Tyr (NM_000267.4, NM_001128147.3); short protein forms D176Y.
Identifiers: ClinVar variation 1746509 (VCV001746509.2), dbSNP rs2143707407, ClinGen allele CA398985075.

ClinVar aggregate classification (germline): Uncertain significance (1 of 4 stars; one submission).

Conditions:
Cardiovascular phenotype. Identifiers: MedGen CN230736.
Hereditary cancer-predisposing syndrome. Also called: Hereditary Cancer Syndrome; Neoplastic Syndromes, Hereditary; Tumor predisposition; Hereditary neoplastic syndrome. Identifiers: Orphanet 140162, MedGen C0027672, MeSH D009386, MONDO:0015356.

Submission:

Ambry Genetics
Classification: Uncertain significance for Cardiovascular phenotype; Hereditary cancer-predisposing syndrome. Last evaluated: 2024-02-12. Review status: criteria provided, single submitter. Criteria: Ambry Variant Classification Scheme 2023. Collection method: clinical testing. Allele origin: germline.
Comment: The p.D176Y variant (also known as c.526G>T), located in coding exon 5 of the NF1 gene, results from a G to T substitution at nucleotide position 526. The aspartic acid at codon 176 is replaced by tyrosine, an amino acid with highly dissimilar properties. This amino acid position is conserved. In addition, this alteration is predicted to be deleterious by in silico analysis. Since supporting evidence is limited at this time, the clinical significance of this alteration remains unclear.